The following is an entry in ClinVar:

ClinVar aggregate classification (germline): Likely benign (1 of 4 stars; one submission).

Conditions:
Brain malformations with or without urinary tract defects. Also called: Brain malformations and urinary tract defects. Identifiers: MedGen C4478940, MONDO:0100478, OMIM 613735.

Submission:

Victorian Clinical Genetics Services, Murdoch Childrens Research Institute
Classification: Likely benign for Brain malformations with or without urinary tract defects. Last evaluated: 2022-02-02. Review status: criteria provided, single submitter. Criteria: ACMG Guidelines, 2015. Collection method: clinical testing. Allele origin: germline. Inheritance: Autosomal dominant inheritance. Affected: yes.
Comment: Based on the classification scheme VCGS_Germline_v1.3.3, this variant is classified as likely benign. Following criteria are met: 0102 - Loss of function is a known mechanism of disease in this gene and is associated with brain malformations with or without urinary tract defects (MIM#613735). (I) 0107 - This gene is associated with autosomal dominant disease. (I) 0200 - Variant is predicted to result in a missense amino acid change from serine to threonine. (I) 0251 - This variant is heterozygous. (I) 0301 - Variant is absent from gnomAD (both v2 and v3). (SP) 0503 - Missense variant consistently predicted to be tolerated by multiple in silico tools or not conserved in placental mammals with a minor amino acid change. (SB) 0600 - Variant is located in the annotated CTF_NFI domain (NCBI, PDB). (I) 0705 - No comparable missense variants have previous evidence for pathogenicity. (I) 0807 - This variant has no previous evidence of pathogenicity. (I) 0905 - No published segregation evidence has been identified for this variant. (I) 1007 - No published functional evidence has been identified for this variant. (I) Legend: (SP) - Supporting pathogenic, (I) - Information, (SB) - Supporting benign

NM_001134673.4(NFIA):c.647G>C (p.Ser216Thr)

Gene: NFIA (nuclear factor I A; plus strand). Cytogenetic location: 1p31.3.
Variant type: single nucleotide variant.
Coding change: c.647G>C on transcript NM_001134673.4 (MANE Select); coding-DNA position 647, G replaced by C.
Protein change: p.Ser216Thr; replaces serine 216 with threonine.
Molecular consequence: missense variant.
Genome position (GRCh38, 1-based): chr1:61,332,533, G>C. VCF-style: chr1-61332533-G-C. GRCh37 (hg19) VCF-style: chr1-61798205-G-C.
Other names: c.623G>C, p.Ser208Thr (NM_001145511.2); c.782G>C, p.Ser261Thr (NM_001145512.2); c.647G>C, p.Ser216Thr (NM_005595.5); short protein forms S208T, S216T, S261T.
Identifiers: ClinVar variation 1806128 (VCV001806128.2), dbSNP rs2525031507, ClinGen allele CA340588358.
Genomic context (GRCh38, chr1:61,332,533, plus strand): 5'-TTTATGACACTTTGTTTTCTTTTGTTTTTGTTTCCCCAGGACATTTGGGCTTCCAGGACA[G>C]TTTTGTCACATCAGGTGTTTTTAGTGTCACTGAGCTAGTAAGAGTGTCACAGAGTAAGTA-3'
Protein context (NP_001128145.1, residues 206-226): PENGHLGFQD[Ser216Thr]FVTSGVFSVT